The following is an entry in ClinVar:

NM_003072.5(SMARCA4):c.4303G>T (p.Asp1435Tyr)

Gene: SMARCA4 (SWI/SNF related BAF chromatin remodeling complex subunit ATPase 4; plus strand). Cytogenetic location: 19p13.2.
Variant type: single nucleotide variant.
Coding change: c.4303G>T on transcript NM_003072.5 (MANE Select); coding-DNA position 4303, G replaced by T.
Protein change: p.Asp1435Tyr; replaces aspartic acid 1435 with tyrosine.
Molecular consequence: missense variant. On other transcripts: non-coding transcript variant (1).
Genome position (GRCh38, 1-based): chr19:11,041,439, G>T. VCF-style: chr19-11041439-G-T. GRCh37 (hg19) VCF-style: chr19-11152115-G-T.
Other names: c.4399G>T (NM_001128849.1); c.4303G>T, p.Asp1435Tyr (NM_001128844.3); c.4213G>T, p.Asp1405Tyr (NM_001128845.2, NM_001128846.2); c.4204G>T, p.Asp1402Tyr (NM_001128847.4, NM_001128848.2, NM_001374457.1); c.4399G>T, p.Asp1467Tyr (NM_001128849.3, NM_001387283.1); c.4300G>T, p.Asp1434Tyr (NM_001411150.1); short protein forms D1405Y, D1435Y, D1402Y, D1434Y, D1467Y.
Identifiers: ClinVar variation 3697780 (VCV003697780.3).

ClinVar aggregate classification (germline): Uncertain significance. Review status: criteria provided, multiple submitters, no conflicts (2 of 4 stars). 2 submissions from 2 submitters: Uncertain significance (2). Last evaluated 2026-07-29.

Conditions:
Rhabdoid tumor predisposition syndrome 2 (RTPS2). Identifiers: Orphanet 231108, Orphanet 69077, MedGen C2750074, MONDO:0013224, OMIM 613325.
Hereditary cancer-predisposing syndrome. Also called: Tumor predisposition; Hereditary neoplastic syndrome; Hereditary Cancer Syndrome; Neoplastic Syndromes, Hereditary. Identifiers: Orphanet 140162, MedGen C0027672, MeSH D009386, MONDO:0015356.

Submissions (2):

Ambry Genetics
Classification: Uncertain significance for Hereditary cancer-predisposing syndrome. Last evaluated: 2026-07-29. Review status: criteria provided, single submitter. Criteria: Ambry Variant Classification Scheme 2023. Collection method: clinical testing. Allele origin: germline.
Comment: The p.D1467Y variant (also known as c.4399G>T), located in coding exon 30 of the SMARCA4 gene, results from a G to T substitution at nucleotide position 4399. The aspartic acid at codon 1467 is replaced by tyrosine, an amino acid with highly dissimilar properties. This amino acid position is conserved. In addition, this alteration is predicted to be deleterious by in silico analysis. Based on the available evidence, the clinical significance of this variant remains unclear.

Labcorp Genetics (formerly Invitae), Labcorp
Classification: Uncertain significance for Rhabdoid tumor predisposition syndrome 2. Last evaluated: 2024-11-04. Review status: criteria provided, single submitter. Criteria: Invitae Variant Classification Sherloc (09022015). Collection method: clinical testing. Allele origin: germline.
Comment: This sequence change replaces aspartic acid, which is acidic and polar, with tyrosine, which is neutral and polar, at codon 1467 of the SMARCA4 protein (p.Asp1467Tyr). This variant is not present in population databases (gnomAD no frequency). This variant has not been reported in the literature in individuals affected with SMARCA4-related conditions. Invitae Evidence Modeling of protein sequence and biophysical properties (such as structural, functional, and spatial information, amino acid conservation, physicochemical variation, residue mobility, and thermodynamic stability) has been performed for this missense variant. However, the output from this modeling did not meet the statistical confidence thresholds required to predict the impact of this variant on SMARCA4 protein function. In summary, the available evidence is currently insufficient to determine the role of this variant in disease. Therefore, it has been classified as a Variant of Uncertain Significance.